The following is an entry in ClinVar:

ClinVar aggregate classification (germline): Likely benign (0 of 4 stars; one submission).

Conditions:
BRSK2-related disorder. Also called: BRSK2-related condition; BRSK2-Related Disorders.

Allele frequency attached by ClinVar (database versions not stated): gnomAD exomes 0.00004; ExAC 0.00011; gnomAD 0.00014; TOPMed 0.00018.
gnomAD v4.1: 79 of 1,607,304 alleles (0.0049%); highest among the groups gnomAD compares: African/African-American, 0.045%; no homozygotes.

Submission:

PreventionGenetics, part of Exact Sciences
Classification: Likely benign for BRSK2-related condition. Last evaluated: 2019-09-10. Review status: no assertion criteria provided. Collection method: clinical testing. Allele origin: germline.
Comment: This variant is classified as likely benign based on ACMG/AMP sequence variant interpretation guidelines (Richards et al. 2015 PMID: 25741868, with internal and published modifications).

NM_001256627.2(BRSK2):c.606C>T (p.Cys202=)

Gene: BRSK2 (BR serine/threonine kinase 2; plus strand). Cytogenetic location: 11p15.5.
Variant type: single nucleotide variant.
Coding change: c.606C>T on transcript NM_001256627.2 (MANE Select); coding-DNA position 606, C replaced by T.
Protein change: p.Cys202=; no amino-acid change (cysteine 202 retained).
Molecular consequence: synonymous variant. On other transcripts: non-coding transcript variant (1).
Genome position (GRCh38, 1-based): chr11:1,443,376, C>T. VCF-style: chr11-1443376-C-T. GRCh37 (hg19) VCF-style: chr11-1464606-C-T.
Other names: c.606C>T, p.Cys202= (NM_001256629.2, NM_003957.4); c.744C>T, p.Cys248= (NM_001256630.1); c.426C>T, p.Cys142= (NM_001282218.2).
Identifiers: ClinVar variation 3039927 (VCV003039927.2), dbSNP rs377396917, ClinGen allele CA5810571.
Genomic context (GRCh38, chr11:1,443,376, plus strand): 5'-CGGGCACTGCTGTCCACAGGGGGAGAAGTATGACGGCCGGAAGGCGGACGTGTGGAGCTG[C>T]GGCGTCATCCTGTTCGCCTTGCTGGTGGTGAGACCCTGGCCCCCTCAACCCTGCCCTGGC-3'
Protein context (NP_001243556.1, residues 192-212): YDGRKADVWS[Cys202=]GVILFALLVG